The following is an entry in ClinVar:

ClinVar aggregate classification (germline): Uncertain significance. Review status: criteria provided, multiple submitters, no conflicts (2 of 4 stars). 8 submissions from 7 submitters: Uncertain significance (8). Last evaluated 2026-02-02.

Conditions:
Neurofibromatosis, type 1 (NF1). Also called: Neurofibromatosis, type I; VON RECKLINGHAUSEN DISEASE; NEUROFIBROMATOSIS, TYPE I, SOMATIC; Peripheral type neurofibromatosis. Identifiers: Orphanet 636, MedGen C0027831, MONDO:0018975, OMIM 162200. Disease mechanism: loss of function.
Cardiovascular phenotype. Identifiers: MedGen CN230736.
Hereditary cancer-predisposing syndrome. Also called: Hereditary Cancer Syndrome; Neoplastic Syndromes, Hereditary; Tumor predisposition; Hereditary neoplastic syndrome. Identifiers: Orphanet 140162, MedGen C0027672, MeSH D009386, MONDO:0015356.

Allele frequency attached by ClinVar (database versions not stated): gnomAD exomes below 0.00001; gnomAD 0.00001; TOPMed 0.00001.
gnomAD v4.1: 5 of 1,613,744 alleles (0.00031%); highest among the groups gnomAD compares: Non-Finnish European, 0.00042%; no homozygotes.

Submissions (8):

Labcorp Genetics (formerly Invitae), Labcorp
Classification: Uncertain significance for Neurofibromatosis, type 1. Last evaluated: 2026-02-02. Review status: criteria provided, single submitter. Criteria: Invitae Variant Classification Sherloc (09022015). Collection method: clinical testing. Allele origin: germline.
Comment: This sequence change replaces serine, which is neutral and polar, with phenylalanine, which is neutral and non-polar, at codon 2239 of the NF1 protein (p.Ser2239Phe). This variant is not present in population databases (gnomAD no frequency). This missense change has been observed in individual(s) with personal or family history of breast and/or ovarian cancer (PMID: 31159747). ClinVar contains an entry for this variant (Variation ID: 230791). Invitae Evidence Modeling of protein sequence and biophysical properties (such as structural, functional, and spatial information, amino acid conservation, physicochemical variation, residue mobility, and thermodynamic stability) indicates that this missense variant is not expected to disrupt NF1 protein function with a negative predictive value of 95%. In summary, the available evidence is currently insufficient to determine the role of this variant in disease. Therefore, it has been classified as a Variant of Uncertain Significance.

Quest Diagnostics Nichols Institute San Juan Capistrano
Classification: Uncertain significance. Last evaluated: 2025-07-11. Review status: criteria provided, single submitter. Criteria: Quest Diagnostics criteria. Collection method: clinical testing. Allele origin: unknown.

GeneDx
Classification: Uncertain significance. Last evaluated: 2023-03-15. Review status: criteria provided, single submitter. Criteria: GeneDx Variant Classification Process June 2021. Collection method: clinical testing. Allele origin: germline. Affected: yes.
Comment: In silico analysis supports that this missense variant has a deleterious effect on protein structure/function; Observed in an individual with unspecified familial cancer (Tsaousis et al., 2019); This variant is associated with the following publications: (PMID: 31159747)

Ambry Genetics
Classification: Uncertain significance for Cardiovascular phenotype; Hereditary cancer-predisposing syndrome. Last evaluated: 2022-07-14. Review status: criteria provided, single submitter. Criteria: Ambry Variant Classification Scheme 2023. Collection method: clinical testing. Allele origin: germline.

Genome-Nilou Lab
Classification: Uncertain significance for Neurofibromatosis, type 1. Last evaluated: 2022-03-15. Review status: criteria provided, single submitter. Criteria: ACMG Guidelines, 2015. Collection method: clinical testing. Allele origin: germline. Affected: no.

GeneKor MSA
Classification: Uncertain significance for Hereditary cancer-predisposing syndrome. Last evaluated: 2018-08-01. Review status: criteria provided, single submitter. Criteria: ACMG Guidelines, 2015. Collection method: clinical testing. Allele origin: germline. Affected: yes.

Ambry Genetics
Classification: Uncertain significance for Hereditary cancer-predisposing syndrome. Last evaluated: 2015-03-11. Review status: criteria provided, single submitter. Criteria: Ambry Autosomal Dominant and X-Linked criteria (10/2015). Collection method: clinical testing. Allele origin: germline. Observed: 1 variant allele.
Comment: The p.S2260F variant (also known as c.6779C>T), located in coding exon 45 of the NF1 gene, results from a C to T substitution at nucleotide position 6779. The serine at codon 2260 is replaced by phenylalanine, an amino acid with highly dissimilar properties. This variant was not reported in population based cohorts in the following databases: Database of Single Nucleotide Polymorphisms (dbSNP), NHLBI Exome Sequencing Project (ESP), and 1000 Genomes Project. In the ESP, this variant was not observed in 6503 samples (13006 alleles) with coverage at this position. To date, this alteration has been detected with an allele frequency of approximately 0.01% (greater than 55000alleles tested) in our clinical cohort.This amino acid position is well conserved in available vertebrate species. In addition, the in silico prediction for this alteration is inconclusive.Since supporting evidence is limited at this time, the clinical significance of p.S2260Fremains unclear.

Breakthrough Genomics
Classification: Uncertain significance. Review status: criteria provided, single submitter. Criteria: ACMG Guidelines, 2015. Collection method: not provided. Allele origin: germline. Inheritance: Autosomal dominant inheritance. Affected: yes.

Literature cited by the submitters: PubMed 31159747 (cited by Labcorp Genetics (formerly Invitae), Labcorp).

NM_001042492.3(NF1):c.6779C>T (p.Ser2260Phe)

Gene: NF1 (neurofibromin 1; plus strand). Cytogenetic location: 17q11.2.
Variant type: single nucleotide variant.
Coding change: c.6779C>T on transcript NM_001042492.3 (MANE Select); coding-DNA position 6779, C replaced by T.
Protein change: p.Ser2260Phe; replaces serine 2260 with phenylalanine.
Molecular consequence: missense variant.
Genome position (GRCh38, 1-based): chr17:31,338,099, C>T. VCF-style: chr17-31338099-C-T. GRCh37 (hg19) VCF-style: chr17-29665117-C-T.
Other names: c.6716C>T, p.Ser2239Phe (NM_000267.4); short protein forms S2239F, S2260F.
Identifiers: ClinVar variation 230791 (VCV000230791.18), dbSNP rs876658775, ClinGen allele CA10580389.